The following is an entry in ClinVar:

ClinVar aggregate classification (germline): Uncertain significance (1 of 4 stars; one submission).

Conditions:
Ornithine aminotransferase deficiency (GACR). Also called: Ornithine ketoacid aminotransferase deficiency; Gyrate atrophy; Gyrate atrophy of choroid and retina; Girate atrophy of the retina; OAT DEFICIENCY; OKT DEFICIENCY. Identifiers: Orphanet 414, MedGen C0018425, MONDO:0009796, OMIM 258870.

gnomAD v4.1: 1 of 1,610,074 alleles (0.000062%); highest among the groups gnomAD compares: Non-Finnish European, 0.000085%; no homozygotes.

Submission:

Labcorp Genetics (formerly Invitae), Labcorp
Classification: Uncertain significance for Ornithine aminotransferase deficiency. Last evaluated: 2022-06-17. Review status: criteria provided, single submitter. Criteria: Invitae Variant Classification Sherloc (09022015). Collection method: clinical testing. Allele origin: germline.
Comment: In summary, the available evidence is currently insufficient to determine the role of this variant in disease. Therefore, it has been classified as a Variant of Uncertain Significance. Algorithms developed to predict the effect of missense changes on protein structure and function are either unavailable or do not agree on the potential impact of this missense change (SIFT: "Deleterious"; PolyPhen-2: "Probably Damaging"; Align-GVGD: "Class C0"). This variant has not been reported in the literature in individuals affected with OAT-related conditions. This variant is not present in population databases (gnomAD no frequency). This sequence change replaces glutamic acid, which is acidic and polar, with glycine, which is neutral and non-polar, at codon 359 of the OAT protein (p.Glu359Gly).

NM_000274.4(OAT):c.1076A>G (p.Glu359Gly)

Gene: OAT (ornithine aminotransferase; minus strand). Cytogenetic location: 10q26.13.
Variant type: single nucleotide variant.
Coding change: c.1076A>G on transcript NM_000274.4 (MANE Select); coding-DNA position 1076, A replaced by G.
Protein change: p.Glu359Gly; replaces glutamic acid 359 with glycine.
Molecular consequence: missense variant.
Genome position (GRCh38, 1-based): chr10:124,400,923, T>C on the plus strand (A>G on the coding strand, the complement: OAT is on the minus strand). VCF-style: chr10-124400923-T-C. GRCh37 (hg19) VCF-style: chr10-126089492-T-C.
Other names: c.662A>G, p.Glu221Gly (NM_001171814.2); c.1076A>G, p.Glu359Gly (NM_001322965.2, NM_001322966.2, NM_001322967.2 and 3 more transcripts); c.755A>G, p.Glu252Gly (NM_001322971.2); c.476A>G, p.Glu159Gly (NM_001322974.2); short protein forms E159G, E221G, E252G, E359G.
Identifiers: ClinVar variation 2417585 (VCV002417585.5), dbSNP rs1484207367, ClinGen allele CA378633676.
Genomic context (GRCh38, chr10:124,400,923, plus strand): 5'-GCGTTTAATAATCCTTTTCCTCTTACGGCAGTTACAACATCAGAAGGTAGCTTCATGAGT[T>C]CATTTCTCAAGATAATGCCCAATTTGTCTGCATTTTCAGCAAGGTTTTCTTCTTCTAAAA-3'
Protein context (NP_000265.1, residues 349-369): ADKLGIILRN[Glu359Gly]LMKLPSDVVT